The following is an entry in ClinVar:

ClinVar aggregate classification (germline): Uncertain significance (0 of 4 stars; one submission).

Conditions:
PKDCC-related disorder. Also called: PKDCC-related condition.

Submission:

PreventionGenetics, part of Exact Sciences
Classification: Uncertain significance for PKDCC-related condition. Last evaluated: 2024-08-28. Review status: no assertion criteria provided. Collection method: clinical testing. Allele origin: germline.
Comment: The PKDCC c.685C>A variant is predicted to result in the amino acid substitution p.Leu229Met. To our knowledge, this variant has not been reported in the literature or in a large population database, indicating this variant is rare. At this time, the clinical significance of this variant is uncertain due to the absence of conclusive functional and genetic evidence.

NM_138370.3(PKDCC):c.685C>A (p.Leu229Met)

Gene: PKDCC (protein kinase domain containing, cytoplasmic; plus strand). Cytogenetic location: 2p21.
Variant type: single nucleotide variant.
Coding change: c.685C>A on transcript NM_138370.3 (MANE Select); coding-DNA position 685, C replaced by A.
Protein change: p.Leu229Met; replaces leucine 229 with methionine.
Molecular consequence: missense variant.
Genome position (GRCh38, 1-based): chr2:42,053,284, C>A. VCF-style: chr2-42053284-C-A. GRCh37 (hg19) VCF-style: chr2-42280424-C-A.
Other names: short protein forms L229M.
Identifiers: ClinVar variation 3346707 (VCV003346707.1).